The following is an entry in ClinVar:

ClinVar aggregate classification (germline): Uncertain significance (1 of 4 stars; one submission).

Conditions:
Cardiovascular phenotype. Identifiers: MedGen CN230736.

Submission:

Ambry Genetics
Classification: Uncertain significance for Cardiovascular phenotype. Last evaluated: 2024-04-12. Review status: criteria provided, single submitter. Criteria: Ambry Variant Classification Scheme 2023. Collection method: clinical testing. Allele origin: germline.
Comment: The p.V241A variant (also known as c.722T>C), located in coding exon 6 of the CASQ2 gene, results from a T to C substitution at nucleotide position 722. The valine at codon 241 is replaced by alanine, an amino acid with similar properties. This amino acid position is conserved. In addition, the in silico prediction for this alteration is inconclusive. Based on the available evidence, the clinical significance of this variant remains unclear.

NM_001232.4(CASQ2):c.722T>C (p.Val241Ala)

Gene: CASQ2 (calsequestrin 2; minus strand). Cytogenetic location: 1p13.1.
Variant type: single nucleotide variant.
Coding change: c.722T>C on transcript NM_001232.4 (MANE Select); coding-DNA position 722, T replaced by C.
Protein change: p.Val241Ala; replaces valine 241 with alanine.
Molecular consequence: missense variant.
Genome position (GRCh38, 1-based): chr1:115,727,007, A>G on the plus strand (T>C on the coding strand, the complement: CASQ2 is on the minus strand). VCF-style: chr1-115727007-A-G. GRCh37 (hg19) VCF-style: chr1-116269628-A-G.
Other names: short protein forms V241A.
Identifiers: ClinVar variation 3263468 (VCV003263468.1).